The following is an entry in ClinVar:

ClinVar aggregate classification (germline): Uncertain significance (1 of 4 stars; one submission).

Submission:

Labcorp Genetics (formerly Invitae), Labcorp
Classification: Uncertain significance. Last evaluated: 2020-02-04. Review status: criteria provided, single submitter. Criteria: Invitae Variant Classification Sherloc (09022015). Collection method: clinical testing. Allele origin: germline.
Comment: This sequence change replaces lysine with arginine at codon 747 of the CTNNA1 protein (p.Lys747Arg). The lysine residue is highly conserved and there is a small physicochemical difference between lysine and arginine. This variant is not present in population databases (ExAC no frequency). This variant has not been reported in the literature in individuals with CTNNA1-related conditions. Algorithms developed to predict the effect of missense changes on protein structure and function are either unavailable or do not agree on the potential impact of this missense change (SIFT: "Deleterious"; PolyPhen-2: "Possibly Damaging"; Align-GVGD: "Class C0"). In summary, the available evidence is currently insufficient to determine the role of this variant in disease. Therefore, it has been classified as a Variant of Uncertain Significance.

NM_001903.5(CTNNA1):c.2240A>G (p.Lys747Arg)

Gene: CTNNA1 (catenin alpha 1; plus strand). Cytogenetic location: 5q31.2.
Variant type: single nucleotide variant.
Coding change: c.2240A>G on transcript NM_001903.5 (MANE Select); coding-DNA position 2240, A replaced by G.
Protein change: p.Lys747Arg; replaces lysine 747 with arginine.
Molecular consequence: missense variant.
Genome position (GRCh38, 1-based): chr5:138,930,877, A>G. VCF-style: chr5-138930877-A-G. GRCh37 (hg19) VCF-style: chr5-138266566-A-G.
Other names: c.2240A>G, p.Lys747Arg (NM_001290307.3, NM_001323982.2, NM_001323983.1 and 2 more transcripts); c.1931A>G, p.Lys644Arg (NM_001290309.3); c.1871A>G, p.Lys624Arg (NM_001290310.3); c.1130A>G, p.Lys377Arg (NM_001290312.1, NM_001323987.1, NM_001323988.1 and 17 more transcripts); c.2147A>G, p.Lys716Arg (NM_001323986.2); c.791A>G, p.Lys264Arg (NM_001324006.1, NM_001324007.1, NM_001324008.1 and 2 more transcripts); c.1037A>G, p.Lys346Arg (NM_001324011.1); c.887A>G, p.Lys296Arg (NM_001324012.1, NM_001324013.1); short protein forms K264R, K296R, K346R, K377R, K624R, K644R, K716R, K747R.
Identifiers: ClinVar variation 1018203 (VCV001018203.9), dbSNP rs770197152, ClinGen allele CA361133847.